The following is an entry in ClinVar:

ClinVar aggregate classification (germline): Uncertain significance (1 of 4 stars; one submission).

Conditions:
Combined oxidative phosphorylation defect type 27. Also called: Combined oxidative phosphorylation deficiency 27. Identifiers: Orphanet 477774, MedGen C5567608, MONDO:0014728, OMIM 616672.

Submission:

Labcorp Genetics (formerly Invitae), Labcorp
Classification: Uncertain significance for Combined oxidative phosphorylation defect type 27. Last evaluated: 2022-07-19. Review status: criteria provided, single submitter. Criteria: Invitae Variant Classification Sherloc (09022015). Collection method: clinical testing. Allele origin: germline.
Comment: In summary, the available evidence is currently insufficient to determine the role of this variant in disease. Therefore, it has been classified as a Variant of Uncertain Significance. Algorithms developed to predict the effect of missense changes on protein structure and function (SIFT, PolyPhen-2, Align-GVGD) all suggest that this variant is likely to be disruptive. ClinVar contains an entry for this variant (Variation ID: 1505190). This variant has not been reported in the literature in individuals affected with CARS2-related conditions. This variant is not present in population databases (gnomAD no frequency). This sequence change replaces arginine, which is basic and polar, with leucine, which is neutral and non-polar, at codon 101 of the CARS2 protein (p.Arg101Leu).

NM_024537.4(CARS2):c.302G>T (p.Arg101Leu)

Gene: CARS2 (cysteinyl-tRNA synthetase 2, mitochondrial; minus strand). Cytogenetic location: 13q34.
Variant type: single nucleotide variant.
Coding change: c.302G>T on transcript NM_024537.4 (MANE Select); coding-DNA position 302, G replaced by T.
Protein change: p.Arg101Leu; replaces arginine 101 with leucine.
Molecular consequence: missense variant. On other transcripts: 5 prime UTR variant (1), non-coding transcript variant (2).
Genome position (GRCh38, 1-based): chr13:110,701,529, C>A on the plus strand (G>T on the coding strand, the complement: CARS2 is on the minus strand). VCF-style: chr13-110701529-C-A. GRCh37 (hg19) VCF-style: chr13-111353876-C-A.
Other names: c.-698G>T (NM_001352252.2); c.302G>T, p.Arg101Leu (NM_001352253.3); short protein forms R101L.
Identifiers: ClinVar variation 1505190 (VCV001505190.6), dbSNP rs112070421, ClinGen allele CA388741210.